The following is an entry in ClinVar:

ClinVar aggregate classification (germline): Uncertain significance. Review status: criteria provided, multiple submitters, no conflicts (2 of 4 stars). 2 submissions from 2 submitters: Uncertain significance (2). Last evaluated 2023-05-05.

Conditions:
Hereditary cancer-predisposing syndrome. Also called: Hereditary neoplastic syndrome; Tumor predisposition; Neoplastic Syndromes, Hereditary; Hereditary Cancer Syndrome. Identifiers: Orphanet 140162, MedGen C0027672, MeSH D009386, MONDO:0015356.

Submissions (2):

Labcorp Genetics (formerly Invitae), Labcorp
Classification: Uncertain significance for Hereditary cancer-predisposing syndrome. Last evaluated: 2023-05-05. Review status: criteria provided, single submitter. Criteria: Invitae Variant Classification Sherloc (09022015). Collection method: clinical testing. Allele origin: germline.
Comment: This sequence change replaces lysine, which is basic and polar, with glutamic acid, which is acidic and polar, at codon 724 of the RAD50 protein (p.Lys724Glu). This variant is not present in population databases (gnomAD no frequency). In summary, the available evidence is currently insufficient to determine the role of this variant in disease. Therefore, it has been classified as a Variant of Uncertain Significance. Advanced modeling of protein sequence and biophysical properties (such as structural, functional, and spatial information, amino acid conservation, physicochemical variation, residue mobility, and thermodynamic stability) performed at Invitae indicates that this missense variant is not expected to disrupt RAD50 protein function. ClinVar contains an entry for this variant (Variation ID: 1501570). This variant has not been reported in the literature in individuals affected with RAD50-related conditions.

Ambry Genetics
Classification: Uncertain significance for Hereditary cancer-predisposing syndrome. Last evaluated: 2020-06-23. Review status: criteria provided, single submitter. Criteria: Ambry Variant Classification Scheme 2023. Collection method: clinical testing. Allele origin: germline.
Comment: The p.K724E variant (also known as c.2170A>G), located in coding exon 13 of the RAD50 gene, results from an A to G substitution at nucleotide position 2170. The lysine at codon 724 is replaced by glutamic acid, an amino acid with similar properties. This amino acid position is not well conserved in available vertebrate species. In addition, this alteration is predicted to be tolerated by in silico analysis. Since supporting evidence is limited at this time, the clinical significance of this alteration remains unclear.

NM_005732.4(RAD50):c.2170A>G (p.Lys724Glu)

Gene: RAD50 (RAD50 double strand break repair protein; plus strand). Cytogenetic location: 5q31.1.
Variant type: single nucleotide variant.
Coding change: c.2170A>G on transcript NM_005732.4 (MANE Select); coding-DNA position 2170, A replaced by G.
Protein change: p.Lys724Glu; replaces lysine 724 with glutamic acid.
Molecular consequence: missense variant.
Genome position (GRCh38, 1-based): chr5:132,595,773, A>G. VCF-style: chr5-132595773-A-G. GRCh37 (hg19) VCF-style: chr5-131931465-A-G.
Other names: short protein forms K724E.
Identifiers: ClinVar variation 1501570 (VCV001501570.10), dbSNP rs2149844234, ClinGen allele CA360950651.